The following is an entry in ClinVar:

ClinVar aggregate classification (germline): Uncertain significance. Review status: criteria provided, multiple submitters, no conflicts (2 of 4 stars). 2 submissions from 2 submitters: Uncertain significance (2). Last evaluated 2024-02-22.

Conditions:
Hereditary cancer-predisposing syndrome. Also called: Neoplastic Syndromes, Hereditary; Hereditary neoplastic syndrome; Tumor predisposition; Hereditary Cancer Syndrome. Identifiers: Orphanet 140162, MedGen C0027672, MeSH D009386, MONDO:0015356.
Hereditary diffuse gastric adenocarcinoma (HDGC). Also called: DIFFUSE GASTRIC AND LOBULAR BREAST CANCER SYNDROME. Identifiers: Orphanet 26106, MedGen C1708349, MONDO:0007648, OMIM 137215.

Allele frequency attached by ClinVar (database versions not stated): gnomAD exomes below 0.00001.
gnomAD v4.1: 2 of 1,613,654 alleles (0.00012%); highest among the groups gnomAD compares: Non-Finnish European, 0.000085%; no homozygotes.

Submissions (2):

Ambry Genetics
Classification: Uncertain significance for Hereditary cancer-predisposing syndrome. Last evaluated: 2024-02-22. Review status: criteria provided, single submitter. Criteria: Ambry Variant Classification Scheme 2023. Collection method: clinical testing. Allele origin: germline.
Comment: The p.E880G variant (also known as c.2639A>G), located in coding exon 16 of the CDH1 gene, results from an A to G substitution at nucleotide position 2639. The glutamic acid at codon 880 is replaced by glycine, an amino acid with similar properties. This amino acid position is conserved. In addition, the in silico prediction for this alteration is inconclusive. Based on the available evidence, the clinical significance of this alteration remains unclear.

Labcorp Genetics (formerly Invitae), Labcorp
Classification: Uncertain significance for Hereditary diffuse gastric adenocarcinoma. Last evaluated: 2022-04-30. Review status: criteria provided, single submitter. Criteria: Invitae Variant Classification Sherloc (09022015). Collection method: clinical testing. Allele origin: germline.
Comment: In summary, the available evidence is currently insufficient to determine the role of this variant in disease. Therefore, it has been classified as a Variant of Uncertain Significance. Algorithms developed to predict the effect of missense changes on protein structure and function are either unavailable or do not agree on the potential impact of this missense change (SIFT: "Deleterious"; PolyPhen-2: "Possibly Damaging"; Align-GVGD: "Class C0"). ClinVar contains an entry for this variant (Variation ID: 532478). This variant has not been reported in the literature in individuals affected with CDH1-related conditions. This variant is not present in population databases (gnomAD no frequency). This sequence change replaces glutamic acid, which is acidic and polar, with glycine, which is neutral and non-polar, at codon 880 of the CDH1 protein (p.Glu880Gly).

NM_004360.5(CDH1):c.2639A>G (p.Glu880Gly)

Gene: CDH1 (cadherin 1; plus strand). Cytogenetic location: 16q22.1.
Variant type: single nucleotide variant.
Coding change: c.2639A>G on transcript NM_004360.5 (MANE Select); coding-DNA position 2639, A replaced by G.
Protein change: p.Glu880Gly; replaces glutamic acid 880 with glycine.
Molecular consequence: missense variant.
Genome position (GRCh38, 1-based): chr16:68,833,489, A>G. VCF-style: chr16-68833489-A-G. GRCh37 (hg19) VCF-style: chr16-68867392-A-G.
Other names: c.2639A>G (LRG_301t1); c.2456A>G, p.Glu819Gly (NM_001317184.2); c.1091A>G, p.Glu364Gly (NM_001317185.2); c.674A>G, p.Glu225Gly (NM_001317186.2); short protein forms E880G, E225G, E364G, E819G.
Identifiers: ClinVar variation 532478 (VCV000532478.10), dbSNP rs1555518306, ClinGen allele CA396472911.